The following is an entry in ClinVar:

NM_004817.4(TJP2):c.702C>T (p.Asp234=)

Gene: TJP2 (tight junction protein 2; plus strand). Cytogenetic location: 9q21.11.
Variant type: single nucleotide variant.
Coding change: c.702C>T on transcript NM_004817.4 (MANE Select); coding-DNA position 702, C replaced by T.
Protein change: p.Asp234=; no amino-acid change (aspartic acid 234 retained).
Molecular consequence: synonymous variant.
Genome position (GRCh38, 1-based): chr9:69,221,246, C>T. VCF-style: chr9-69221246-C-T. GRCh37 (hg19) VCF-style: chr9-71836162-C-T.
Other names: c.633C>T, p.Asp211= (NM_001170414.2, NM_001369870.1, NM_001369871.1); c.714C>T, p.Asp238= (NM_001170415.1, NM_001369874.1, NM_001369875.1); c.795C>T, p.Asp265= (NM_001170416.2); c.702C>T, p.Asp234= (NM_001369872.1, NM_001369873.1, NM_201629.3).
Identifiers: ClinVar variation 4994385 (VCV004994385.1).

ClinVar aggregate classification (germline): Likely benign (1 of 4 stars; one submission).

Conditions:
TJP2-related disorder. Also called: TJP2-related condition.

gnomAD v4.1: 1 of 1,607,994 alleles (0.000062%); highest among the groups gnomAD compares: Non-Finnish European, 0.000085%; no homozygotes.

Submission:

PreventionGenetics, part of Exact Sciences
Classification: Likely benign for TJP2-related condition. Last evaluated: 2026-04-15. Review status: criteria provided, single submitter. Criteria: ACMG Guidelines, 2015. Collection method: clinical testing. Allele origin: germline.
Comment: This variant is classified as likely benign based on ACMG/AMP sequence variant interpretation guidelines (Richards et al. 2015 PMID: 25741868, with internal and published modifications).